The following is an entry in ClinVar:

ClinVar aggregate classification (germline): Uncertain significance (1 of 4 stars; one submission).

Allele frequency attached by ClinVar (database versions not stated): gnomAD exomes below 0.00001 and 0.00001; ExAC 0.00001; TOPMed 0.00002; gnomAD 0.00003; ESP Exome Variant Server 0.00015.
gnomAD v4.1: 17 of 1,612,274 alleles (0.0011%); highest among the groups gnomAD compares: African/African-American, 0.0013%; no homozygotes.

Submission:

Labcorp Genetics (formerly Invitae), Labcorp
Classification: Uncertain significance. Last evaluated: 2021-08-28. Review status: criteria provided, single submitter. Criteria: Invitae Variant Classification Sherloc (09022015). Collection method: clinical testing. Allele origin: germline.
Comment: This sequence change replaces serine with threonine at codon 1594 of the SZT2 protein (p.Ser1594Thr). The serine residue is highly conserved and there is a small physicochemical difference between serine and threonine. This variant is present in population databases (rs144533190, ExAC 0.002%). This variant has not been reported in the literature in individuals affected with SZT2-related conditions. Algorithms developed to predict the effect of missense changes on protein structure and function are either unavailable or do not agree on the potential impact of this missense change (SIFT: "Tolerated"; PolyPhen-2: "Probably Damaging"; Align-GVGD: "Class C0"). In summary, the available evidence is currently insufficient to determine the role of this variant in disease. Therefore, it has been classified as a Variant of Uncertain Significance.

NM_001365999.1(SZT2):c.4951T>A (p.Ser1651Thr)

Gene: SZT2 (SZT2 subunit of KICSTOR complex; plus strand). Cytogenetic location: 1p34.2.
Variant type: single nucleotide variant.
Coding change: c.4951T>A on transcript NM_001365999.1 (MANE Select); coding-DNA position 4951, T replaced by A.
Protein change: p.Ser1651Thr; replaces serine 1651 with threonine.
Molecular consequence: missense variant.
Genome position (GRCh38, 1-based): chr1:43,431,299, T>A. VCF-style: chr1-43431299-T-A. GRCh37 (hg19) VCF-style: chr1-43896970-T-A.
Other names: c.4780T>A, p.Ser1594Thr (NM_015284.4); short protein forms S1651T, S1594T.
Identifiers: ClinVar variation 665764 (VCV000665764.6), dbSNP rs144533190, ClinGen allele CA809424.